The following is an entry in ClinVar:

ClinVar aggregate classification (germline): Uncertain significance (1 of 4 stars; one submission).

Conditions:
ALG3-congenital disorder of glycosylation. Also called: CARBOHYDRATE-DEFICIENT GLYCOPROTEIN SYNDROME, TYPE IV; CDGS, TYPE IV; CONGENITAL DISORDER OF GLYCOSYLATION, TYPE Id; CDG Id; ALG3-CDG. Identifiers: Orphanet 79321, MedGen C1832736, MONDO:0010998, OMIM 601110.

Allele frequency attached by ClinVar (database versions not stated): ExAC 0.00001; gnomAD exomes 0.00001; gnomAD 0.00002; TOPMed 0.00002.
gnomAD v4.1: 17 of 1,613,850 alleles (0.0011%); highest among the groups gnomAD compares: East Asian, 0.0022%; no homozygotes.

Submission:

Labcorp Genetics (formerly Invitae), Labcorp
Classification: Uncertain significance for ALG3-congenital disorder of glycosylation. Last evaluated: 2022-04-19. Review status: criteria provided, single submitter. Criteria: Invitae Variant Classification Sherloc (09022015). Collection method: clinical testing. Allele origin: germline.
Comment: Algorithms developed to predict the effect of missense changes on protein structure and function are either unavailable or do not agree on the potential impact of this missense change (SIFT: "Deleterious"; PolyPhen-2: "Probably Damaging"; Align-GVGD: "Class C15"). This sequence change replaces arginine, which is basic and polar, with cysteine, which is neutral and slightly polar, at codon 122 of the ALG3 protein (p.Arg122Cys). This variant is present in population databases (rs763104840, gnomAD 0.003%). This variant has not been reported in the literature in individuals affected with ALG3-related conditions. In summary, the available evidence is currently insufficient to determine the role of this variant in disease. Therefore, it has been classified as a Variant of Uncertain Significance.

NM_005787.6(ALG3):c.364C>T (p.Arg122Cys)

Gene: ALG3 (ALG3 alpha-1,3- mannosyltransferase; minus strand). Cytogenetic location: 3q27.1.
Variant type: single nucleotide variant.
Coding change: c.364C>T on transcript NM_005787.6 (MANE Select); coding-DNA position 364, C replaced by T.
Protein change: p.Arg122Cys; replaces arginine 122 with cysteine.
Molecular consequence: missense variant. On other transcripts: non-coding transcript variant (2).
Genome position (GRCh38, 1-based): chr3:184,245,548, G>A on the plus strand (C>T on the coding strand, the complement: ALG3 is on the minus strand). VCF-style: chr3-184245548-G-A. GRCh37 (hg19) VCF-style: chr3-183963336-G-A.
Other names: c.220C>T, p.Arg74Cys (NM_001006941.2); c.259C>T, p.Arg87Cys (NM_001006942.1); short protein forms R122C, R74C, R87C.
Identifiers: ClinVar variation 2136969 (VCV002136969.4), dbSNP rs763104840, ClinGen allele CA2729554.
Genomic context (GRCh38, chr3:184,245,548, plus strand): 5'-TCAAGAAGACAAGCAGCAAGGTAGCCAGGTAGAGCACAGCAAAGATGTTCTGGGCCATGC[G>A]GATGTCAGTGCCTCGGCTGGTGGCATAGTACAACCCCATAAAGATGTACACGAAACCAGC-3'
Protein context (NP_005778.1, residues 112-132): YYATSRGTDI[Arg122Cys]MAQNIFAVLY